The following is an entry in ClinVar:

ClinVar aggregate classification (germline): Conflicting classifications of pathogenicity. Review status: criteria provided, conflicting classifications (1 of 4 stars). 5 submissions from 5 submitters: Uncertain significance (4); Likely benign (1). Last evaluated 2025-04-09.

Conditions:
Cardiovascular phenotype. Identifiers: MedGen CN230736.

Submissions (5):

Molecular Diagnostic Laboratory for Inherited Cardiovascular Disease, Montreal Heart Institute
Classification: Uncertain significance for Cardiovascular phenotype. Last evaluated: 2025-04-09. Review status: criteria provided, single submitter. Criteria: ACMG Guidelines, 2015. Collection method: clinical testing. Allele origin: germline. Affected: yes.

Women's Health and Genetics/Laboratory Corporation of America, LabCorp
Classification: Uncertain significance. Last evaluated: 2024-06-12. Review status: criteria provided, single submitter. Criteria: LabCorp Variant Classification Summary - May 2015. Collection method: clinical testing. Allele origin: germline.
Comment: Variant summary: TTN c.93413_93436del24 (p.Val31138_Pro31145del) results in an in-frame deletion that is predicted to remove 8 amino acids from the M-band region of the encoded protein. The variant allele was found at a frequency of 4e-06 in 248746 control chromosomes. The available data on variant occurrences in the general population are insufficient to allow any conclusion about variant significance. c.93413_93436del24 has been reported in the literature in one unspecified individual affected with Limb-Girdle Muscular Dystrophy (Nallamilli_2018 through LOVD). These report(s) do not provide unequivocal conclusions about association of the variant with Limb-Girdle Muscular Dystrophy, Type 2J. To our knowledge, no experimental evidence demonstrating an impact on protein function has been reported. The following publication has been ascertained in the context of this evaluation (PMID: 30564623). ClinVar contains an entry for this variant (Variation ID: 286259). Based on the evidence outlined above, the variant was classified as uncertain significance.

Ambry Genetics
Classification: Uncertain significance for Cardiovascular phenotype. Last evaluated: 2022-01-12. Review status: criteria provided, single submitter. Criteria: Ambry Variant Classification Scheme 2023. Collection method: clinical testing. Allele origin: germline.
Comment: The c.73922_73945del24 variant (also known as p.V24641_P24648del) is located in coding exon 185 of the TTN gene. This variant results from an in-frame TCAACTTAACATGGACTGAGCCAG deletion at nucleotide positions 73922 to 73945. This results in the in-frame deletion of eight amino acids from codon 24641 to 24648. This amino acid position is not well to highly conserved in available vertebrate species. Since supporting evidence is limited at this time, the clinical significance of this alteration remains unclear.

Blueprint Genetics
Classification: Likely benign. Last evaluated: 2021-04-13. Review status: criteria provided, single submitter. Criteria: ACMG Guidelines, 2015. Collection method: clinical testing. Allele origin: germline.

Eurofins Ntd Llc (ga)
Classification: Uncertain significance. Last evaluated: 2016-02-12. Review status: criteria provided, single submitter. Criteria: EGL Classification Definitions 2015. Collection method: clinical testing. Allele origin: germline. Observed: 1 variant allele, 1 heterozygote.

Literature cited by the submitters: PubMed 30564623 (cited by Women's Health and Genetics/Laboratory Corporation of America, LabCorp).

NM_001267550.2(TTN):c.101117_101140del (p.Val33706_Pro33713del)

Genes: TTN (titin; minus strand), TTN-AS1 (TTN antisense RNA 1; plus strand). Cytogenetic location: 2q31.2.
Variant type: Deletion.
Coding change: c.101117_101140del on transcript NM_001267550.2 (MANE Select); coding-DNA positions 101117 to 101140, 24 bases deleted (TCAACTTAACATGGACTGAGCCAG).
Protein change: p.Val33706_Pro33713del.
Molecular consequence: inframe deletion.
Genome position (GRCh38, 1-based): chr2:178,535,475-178,535,498, CTGGCTCAGTCCATGTTAAGTTGA deleted on the plus strand (TCAACTTAACATGGACTGAGCCAG on the coding strand, the reverse complement: TTN is on the minus strand); deleting any 24 consecutive bases within chr2:178,535,475-178,535,499 gives the same sequence; the c. name uses the placement nearest the transcript's 3' end. VCF-style (leftmost placement, unchanged base first): chr2-178535474-GCTGGCTCAGTCCATGTTAAGTTGA-G. GRCh37 (hg19) VCF-style: chr2-179400201-GCTGGCTCAGTCCATGTTAAGTTGA-G.
Other names: c.96194_96217del, p.Val32065_Pro32072del (NM_001256850.1); c.73922_73945del, p.Val24641_Pro24648del (NM_003319.4); c.93413_93436del, p.Val31138_Pro31145del (NM_133378.4); c.74297_74320del, p.Val24766_Pro24773del (NM_133432.3); c.74498_74521del, p.Val24833_Pro24840del (NM_133437.4); c.93413_93436del24 (NM_133378.4); c.73922_73945del24 (NM_003319.4).
Identifiers: ClinVar variation 286259 (VCV000286259.10), dbSNP rs886043352, ClinGen allele CA10605417.
Genomic context (GRCh38, chr2:178,535,474, plus strand): 5'-TCTGCAGTAGTTGCACATTTTTCAACAATGTAGTTGGTGATTTTGCTGCCACCATCAGAG[GCTGGCTCAGTCCATGTTAAGTTGA>G]CAGAATCTCGTGAGACATCACTAACTTTGACTCCTCTGGGTGGGTCAGGAACATCAGCCA-3'